The following is an entry in ClinVar:

NR_003051.3(RMRP):n.-18_-17ins14

Gene: RMRP (RNA component of mitochondrial RNA processing endoribonuclease; minus strand). Cytogenetic location: 9p13.3.
Variant type: Insertion.
Genome position: GRCh38 VCF-style: chr9-35658035-A-AGAGTAGTAGAAGCT. GRCh37 (hg19) VCF-style: chr9-35658032-A-AGAGTAGTAGAAGCT.
Identifiers: ClinVar variation 552734 (VCV000552734.5), dbSNP rs1554651544, ClinGen allele CA915947448.

ClinVar aggregate classification (germline): Likely pathogenic. Review status: reviewed by expert panel (3 of 4 stars). 3 submissions from 3 submitters: Likely pathogenic (1). 2 of the submissions do not count toward it. Last evaluated 2025-10-06.

Conditions:
Anauxetic dysplasia. Identifiers: Orphanet 93347, MedGen C1846796, MONDO:0011773.
Metaphyseal chondrodysplasia, McKusick type (CHH). Also called: Cartilage-hair hypoplasia; Cartilage-Hair Hypoplasia (CHH). Identifiers: Orphanet 175, MedGen C0220748, MONDO:0009595, OMIM 250250.

Submissions (3):

ClinGen Severe Combined Immunodeficiency Variant Curation Expert Panel, ClinGen
Classification: Likely pathogenic for Metaphyseal chondrodysplasia, McKusick type. Last evaluated: 2025-10-06. Review status: reviewed by expert panel. Criteria: ClinGen SCID ACMG Specifications RMRP V1.2.0. Collection method: curation. Allele origin: germline.
Comment: The RMRP variant NC_000009.12:g.35658043_35658044insGAAGCTGAGTAGTA, also known as NR_003051.3(RMRP):n.-18_-17ins14, is absent in gnomAD v4.1.0 (PM2_Supporting). The insertion of 14 nucleotides increases the distance between the n.4 and the promoter region (TATA box) and, therefore, meets PM1_Strong. This variant creates an extension of more than 6 nucleotides, increasing the distance between the TATA box (spanning n.-32 to n.-24) and the transcription start site (n.4). Therefore, PM4 is met. To date, no phenotype is associated with this variant; therefore, PP4 was not evaluated. In summary, this variant meets the criteria to be classified as Likely Pathogenic for Autosomal recessive Cartilage Hair Hypoplasia based on the ACMG/AMP criteria applied, as specified by the ClinGen SCID VCEP: PM1_Strong, PM4 and PM2_Supporting (VCEP specifications version 1).

Labcorp Genetics (formerly Invitae), Labcorp
Classification: Pathogenic for Anauxetic dysplasia. Last evaluated: 2023-06-29. Review status: criteria provided, single submitter. Criteria: Invitae Variant Classification Sherloc (09022015). Collection method: clinical testing. Allele origin: germline. Not counted in ClinVar's aggregate classification.
Comment: For these reasons, this variant has been classified as Pathogenic. While functional studies for this variant have not been reported, experimental analyses using patient derived cells, as well as in vitro transfection studies, have shown that promoter insertions result in silencing of RMRP transcription and reduced expression of the gene product (PMID: 11207361, 16254002). While this particular variant has not been reported in the literature, it is located in the promoter region between the TATA box and the transcription initiation site, and other insertions and duplications immediately upstream of the coding sequence have been reported in individuals affected with cartilage-hair hypoplasia-anauxetic dysplasia (CHH-AD) spectrum disorders (PMID: 16244706, 11207361, 12107819). This variant is not present in population databases (gnomAD no frequency). This variant occurs in the RMRP gene, which encodes an RNA molecule that does not result in a protein product.

Counsyl
Classification: Likely pathogenic for Metaphyseal chondrodysplasia, McKusick type. Last evaluated: 2017-07-07. Review status: no assertion criteria provided. Collection method: clinical testing. Allele origin: unknown. Not counted in ClinVar's aggregate classification.

Literature cited by the submitters: PubMed 17937437 (cited by ClinGen Severe Combined Immunodeficiency Variant Curation Expert Panel, ClinGen and Counsyl); PubMed 11207361 (cited by Labcorp Genetics (formerly Invitae), Labcorp and Counsyl); PubMed 16254002 (cited by Labcorp Genetics (formerly Invitae), Labcorp); PubMed 16244706 (cited by Labcorp Genetics (formerly Invitae), Labcorp); PubMed 12107819 (cited by Labcorp Genetics (formerly Invitae), Labcorp); PubMed 14608646 (cited by Counsyl).